The following is an entry in ClinVar:

ClinVar aggregate classification (germline): Uncertain significance. Review status: criteria provided, multiple submitters, no conflicts (2 of 4 stars). 2 submissions from 2 submitters: Uncertain significance (2). Last evaluated 2025-02-02.

gnomAD v4.1: 10 of 1,613,768 alleles (0.00062%); highest among the groups gnomAD compares: Admixed American, 0.0033%; no homozygotes.

Submissions (2):

Dasa
Classification: Uncertain significance. Last evaluated: 2025-02-02. Review status: criteria provided, single submitter. Criteria: DASA Assertion Criteria. Collection method: clinical testing. Allele origin: germline.
Comment: NM_005529.7(HSPG2):c.12800G>A (p.Gly4267Glu) is a missense variant that results in the substitution of glycine with glutamic acid. This variant is rare in population databases. Computational prediction algorithms are consistent with a deleterious effect. The currently available literature and clinical evidence are not sufficient to establish a definitive association between this variant and the reported condition. Therefore, this variant is classified as a variant of uncertain significance.

Labcorp Genetics (formerly Invitae), Labcorp
Classification: Uncertain significance. Last evaluated: 2024-11-25. Review status: criteria provided, single submitter. Criteria: Invitae Variant Classification Sherloc (09022015). Collection method: clinical testing. Allele origin: germline.
Comment: This sequence change replaces glycine, which is neutral and non-polar, with glutamic acid, which is acidic and polar, at codon 4267 of the HSPG2 protein (p.Gly4267Glu). This variant is present in population databases (rs766278882, gnomAD 0.003%). This variant has not been reported in the literature in individuals affected with HSPG2-related conditions. An algorithm developed to predict the effect of missense changes on protein structure and function (PolyPhen-2) suggests that this variant is likely to be disruptive. In summary, the available evidence is currently insufficient to determine the role of this variant in disease. Therefore, it has been classified as a Variant of Uncertain Significance.

NM_005529.7(HSPG2):c.12800G>A (p.Gly4267Glu)

Genes: LDLRAD2 (low density lipoprotein receptor class A domain containing 2; plus strand), HSPG2 (heparan sulfate proteoglycan 2; minus strand). Cytogenetic location: 1p36.12.
Variant type: single nucleotide variant.
Coding change: c.12800G>A on transcript NM_005529.7 (MANE Select); coding-DNA position 12800, G replaced by A.
Protein change: p.Gly4267Glu; replaces glycine 4267 with glutamic acid.
Molecular consequence: missense variant. On other transcripts: 3 prime UTR variant (1).
Genome position (GRCh38, 1-based): chr1:21,824,321, C>T on the plus strand (G>A on the coding strand, the complement: HSPG2 is on the minus strand). VCF-style: chr1-21824321-C-T. GRCh37 (hg19) VCF-style: chr1-22150814-C-T.
Other names: c.12803G>A, p.Gly4268Glu (NM_001291860.2); c.*2106C>T (NM_001013693.3); short protein forms G4267E, G4268E.
Identifiers: ClinVar variation 3709313 (VCV003709313.4).